The following is an entry in ClinVar:

ClinVar aggregate classification (germline): Likely benign (0 of 4 stars; one submission).

Conditions:
PADI6-related disorder. Also called: PADI6-related condition.

Allele frequency attached by ClinVar (database versions not stated): gnomAD exomes below 0.00001; TOPMed 0.00001.
gnomAD v4.1: 1 of 1,613,554 alleles (0.000062%); highest among the groups gnomAD compares: Non-Finnish European, 0.000085%; no homozygotes.

Submission:

PreventionGenetics, part of Exact Sciences
Classification: Likely benign for PADI6-related condition. Last evaluated: 2019-12-26. Review status: no assertion criteria provided. Collection method: clinical testing. Allele origin: germline.
Comment: This variant is classified as likely benign based on ACMG/AMP sequence variant interpretation guidelines (Richards et al. 2015 PMID: 25741868, with internal and published modifications).

NM_207421.4(PADI6):c.873T>C (p.Thr291=)

Gene: PADI6 (peptidyl arginine deiminase 6; plus strand). Cytogenetic location: 1p36.13.
Variant type: single nucleotide variant.
Coding change: c.873T>C on transcript NM_207421.4 (MANE Select); coding-DNA position 873, T replaced by C.
Protein change: p.Thr291=; no amino-acid change (threonine 291 retained).
Molecular consequence: synonymous variant.
Genome position (GRCh38, 1-based): chr1:17,388,791, T>C. VCF-style: chr1-17388791-T-C. GRCh37 (hg19) VCF-style: chr1-17715286-T-C.
Identifiers: ClinVar variation 3039432 (VCV003039432.2), dbSNP rs1161567199, ClinGen allele CA416400890.
Genomic context (GRCh38, chr1:17,388,791, plus strand): 5'-AGTAAATGTGGAAGCAGGTTGCTAACAGGACCTTGTCTTGTTGCAGTCAATTCCAGAGAC[T>C]GTGCTGTACAAAGACACGGTGGTGTTCCGGGTGGCTCCCTGTGTCTTCATTCCCTGTACC-3'
Protein context (NP_997304.3, residues 281-301): EESQDPSIPE[Thr291=]VLYKDTVVFR